The following is an entry in ClinVar:

ClinVar aggregate classification (germline): Pathogenic (1 of 4 stars; one submission).

Submission:

Labcorp Genetics (formerly Invitae), Labcorp
Classification: Pathogenic. Last evaluated: 2023-11-24. Review status: criteria provided, single submitter. Criteria: Invitae Variant Classification Sherloc (09022015). Collection method: clinical testing. Allele origin: germline.
Comment: This variant results in the deletion of part of exon 14 (c.1935_1960+9del) of the MERTK gene. It is expected to disrupt RNA splicing. Variants that disrupt the donor or acceptor splice site typically lead to a loss of protein function (PMID: 16199547), and loss-of-function variants in MERTK are known to be pathogenic (PMID: 24265693, 29659094). This variant is not present in population databases (gnomAD no frequency). This variant has been observed in individual(s) with retinitis pigmentosa (Invitae). In at least one individual the data is consistent with being in trans (on the opposite chromosome) from a pathogenic variant. For these reasons, this variant has been classified as Pathogenic.

Literature cited by the submitters: PubMed 16199547; PubMed 24265693; PubMed 29659094.

NM_006343.3(MERTK):c.1935_1960+9del

Gene: MERTK (MER proto-oncogene, tyrosine kinase; plus strand). Cytogenetic location: 2q13.
Variant type: Deletion.
Coding change: c.1935_1960+9del on transcript NM_006343.3 (MANE Select); coding-DNA position 1935 through 9 bases into the intron after coding-DNA position 1960, 35 bases deleted.
Molecular consequence: splice donor variant.
Genome position (GRCh38, 1-based): chr2:112,008,450-112,008,484, 35 bases deleted; deleting any 35 consecutive bases within chr2:112,008,449-112,008,484 gives the same sequence; the c. name uses the placement nearest the transcript's 3' end. GRCh37 (hg19): chr2:112,766,027-112,766,061.
Identifiers: ClinVar variation 2698420 (VCV002698420.3), dbSNP rs2466889355, ClinGen allele CA2697551016.
Genomic context (GRCh38, chr2:112,008,448, plus strand): 5'-AACTCTTCACAGCGGGAGATCGAGGAGTTTCTCAGTGAGGCAGCGTGCATGAAAGACTTC[AGCCACCCAAATGTCATTCGACTTCTAGGTACTTCC>A]GAGAAATGCAGGAGTGGGTGGCCAAGAGGGCTCTGCTGATCTGCTCTGTGCCAAAGGAAA-3'